The following is an entry in ClinVar:

ClinVar aggregate classification (germline): Uncertain significance. Review status: criteria provided, multiple submitters, no conflicts (2 of 4 stars). 4 submissions from 4 submitters: Uncertain significance (4). Last evaluated 2025-12-01.

Conditions:
RECQL4-related disorder. Also called: RECQL4-related disorders; RECQL4-related condition.
Inborn genetic diseases. Identifiers: MedGen C0950123, MeSH D030342.
Baller-Gerold syndrome (BGS). Also called: CRANIOSYNOSTOSIS WITH RADIAL DEFECTS. Identifiers: Orphanet 1225, MedGen C0265308, MONDO:0009039, OMIM 218600.

Allele frequency attached by ClinVar (database versions not stated): ExAC 0.00001; gnomAD 0.00001; gnomAD exomes 0.00002 and 0.00004; TOPMed 0.00003.
gnomAD v4.1: 25 of 1,611,660 alleles (0.0016%); highest among the groups gnomAD compares: Admixed American, 0.0033%; no homozygotes.

Submissions (4):

Labcorp Genetics (formerly Invitae), Labcorp
Classification: Uncertain significance for Baller-Gerold syndrome. Last evaluated: 2025-12-01. Review status: criteria provided, single submitter. Criteria: Invitae Variant Classification Sherloc (09022015). Collection method: clinical testing. Allele origin: germline.
Comment: This sequence change replaces glutamine, which is neutral and polar, with proline, which is neutral and non-polar, at codon 595 of the RECQL4 protein (p.Gln595Pro). This variant is present in population databases (rs762566552, gnomAD 0.005%). This variant has not been reported in the literature in individuals affected with RECQL4-related conditions. ClinVar contains an entry for this variant (Variation ID: 528912). Invitae Evidence Modeling of protein sequence and biophysical properties (such as structural, functional, and spatial information, amino acid conservation, physicochemical variation, residue mobility, and thermodynamic stability) indicates that this missense variant is expected to disrupt RECQL4 protein function with a positive predictive value of 80%. In summary, the available evidence is currently insufficient to determine the role of this variant in disease. Therefore, it has been classified as a Variant of Uncertain Significance.

Dasa
Classification: Uncertain significance. Last evaluated: 2025-04-24. Review status: criteria provided, single submitter. Criteria: DASA Assertion Criteria. Collection method: clinical testing. Allele origin: germline.
Comment: NM_004260.4(RECQL4):c.1784A>C (p.Gln595Pro) is a missense variant that results in the substitution of glutamine with proline. This variant is rare in population databases. The currently available literature and clinical evidence are not sufficient to establish a definitive association between this variant and the reported condition. Therefore, this variant is classified as a variant of uncertain significance.

Ambry Genetics
Classification: Uncertain significance for Inborn genetic diseases. Last evaluated: 2024-11-21. Review status: criteria provided, single submitter. Criteria: Ambry Variant Classification Scheme 2023. Collection method: clinical testing. Allele origin: germline.
Comment: The p.Q595P variant (also known as c.1784A>C), located in coding exon 11 of the RECQL4 gene, results from an A to C substitution at nucleotide position 1784. The glutamine at codon 595 is replaced by proline, an amino acid with similar properties. This amino acid position is conserved. In addition, the in silico prediction for this alteration is inconclusive. Based on the available evidence, the clinical significance of this variant remains unclear.

PreventionGenetics, part of Exact Sciences
Classification: Uncertain significance for RECQL4-related condition. Last evaluated: 2022-12-27. Review status: criteria provided, single submitter. Criteria: ACMG Guidelines, 2015. Collection method: clinical testing. Allele origin: germline.
Comment: The RECQL4 c.1784A>C variant is predicted to result in the amino acid substitution p.Gln595Pro. To our knowledge, this variant has not been reported in the literature. This variant is reported in 0.0056% of alleles in individuals of European (Non-Finnish) descent in gnomAD. At this time, the clinical significance of this variant is uncertain due to the absence of conclusive functional and genetic evidence.

NM_004260.4(RECQL4):c.1784A>C (p.Gln595Pro)

Gene: RECQL4 (RecQ like helicase 4; minus strand). Cytogenetic location: 8q24.3.
Variant type: single nucleotide variant.
Coding change: c.1784A>C on transcript NM_004260.4 (MANE Select); coding-DNA position 1784, A replaced by C.
Protein change: p.Gln595Pro; replaces glutamine 595 with proline.
Molecular consequence: missense variant.
Genome position (GRCh38, 1-based): chr8:144,514,283, T>G on the plus strand (A>C on the coding strand, the complement: RECQL4 is on the minus strand). VCF-style: chr8-144514283-T-G. GRCh37 (hg19) VCF-style: chr8-145739667-T-G.
Other names: short protein forms Q595P.
Identifiers: ClinVar variation 528912 (VCV000528912.11), dbSNP rs762566552, ClinGen allele CA4948659.